The following is an entry in ClinVar:

ClinVar aggregate classification (germline): Pathogenic (1 of 4 stars; one submission).

Submission:

GeneDx
Classification: Pathogenic. Last evaluated: 2024-05-23. Review status: criteria provided, single submitter. Criteria: GeneDx Variant Classification Process June 2021. Collection method: clinical testing. Allele origin: germline. Affected: yes.
Comment: Nonsense variant predicted to result in protein truncation or nonsense mediated decay in a gene for which loss of function is a known mechanism of disease; Not observed at significant frequency in large population cohorts (gnomAD); Has not been previously published as pathogenic or benign to our knowledge

NM_014991.6(WDFY3):c.8758C>T (p.Gln2920Ter)

Gene: WDFY3 (WD repeat and FYVE domain containing 3; minus strand). Cytogenetic location: 4q21.23.
Variant type: single nucleotide variant.
Coding change: c.8758C>T on transcript NM_014991.6 (MANE Select); coding-DNA position 8758, C replaced by T.
Protein change: p.Gln2920Ter; replaces glutamine 2920 with a stop codon.
Molecular consequence: nonsense.
Genome position (GRCh38, 1-based): chr4:84,696,113, G>A on the plus strand (C>T on the coding strand, the complement: WDFY3 is on the minus strand). VCF-style: chr4-84696113-G-A. GRCh37 (hg19) VCF-style: chr4-85617266-G-A.
Other names: short protein forms Q2920*.
Identifiers: ClinVar variation 3381423 (VCV003381423.1).